The following is an entry in ClinVar:

ClinVar aggregate classification (germline): Conflicting classifications of pathogenicity. Review status: criteria provided, conflicting classifications (1 of 4 stars). 2 submissions from 2 submitters: Uncertain significance (1); Likely benign (1). Last evaluated 2023-03-23.

Conditions:
Hereditary cancer-predisposing syndrome. Also called: Neoplastic Syndromes, Hereditary; Tumor predisposition; Hereditary neoplastic syndrome; Hereditary Cancer Syndrome. Identifiers: Orphanet 140162, MedGen C0027672, MeSH D009386, MONDO:0015356.

gnomAD v4.1: 1 of 1,610,610 alleles (0.000062%); highest among the groups gnomAD compares: Non-Finnish European, 0.000085%; no homozygotes.

Submissions (2):

University of Washington Department of Laboratory Medicine, University of Washington
Classification: Likely benign for Hereditary cancer-predisposing syndrome. Last evaluated: 2023-03-23. Review status: criteria provided, single submitter. Criteria: Dines et al. (Genet Med. 2020). Collection method: curation. Allele origin: germline.
Comment: Missense variant in a coldspot region where missense variants are very unlikely to be pathogenic (PMID:31911673).

BRCA2 exon 11 coldspot. Reclassification based on statistical prior probability.

Color Diagnostics, LLC DBA Color Health
Classification: Uncertain significance for Hereditary cancer-predisposing syndrome. Last evaluated: 2019-05-23. Review status: criteria provided, single submitter. Criteria: ACMG Guidelines, 2015. Collection method: clinical testing. Allele origin: germline.

NM_000059.4(BRCA2):c.2520G>A (p.Met840Ile)

Gene: BRCA2 (BRCA2 DNA repair associated; plus strand). Cytogenetic location: 13q13.1.
Variant type: single nucleotide variant.
Coding change: c.2520G>A on transcript NM_000059.4 (MANE Select); coding-DNA position 2520, G replaced by A.
Protein change: p.Met840Ile; replaces methionine 840 with isoleucine.
Molecular consequence: missense variant.
Genome position (GRCh38, 1-based): chr13:32,336,875, G>A. VCF-style: chr13-32336875-G-A. GRCh37 (hg19) VCF-style: chr13-32911012-G-A.
Other names: short protein forms M840I.
Identifiers: ClinVar variation 629604 (VCV000629604.5), dbSNP rs1566226868, ClinGen allele CA387772464.
Genomic context (GRCh38, chr13:32,336,875, plus strand): 5'-TGTATGTGCTTTAAATGAAAATTATAAAAACGTTGAGCTGTTGCCACCTGAAAAATACAT[G>A]AGAGTAGCATCACCTTCAAGAAAGGTACAATTCAACCAAAACACAAATCTAAGAGTAATC-3'
Protein context (NP_000050.3, residues 830-850): NVELLPPEKY[Met840Ile]RVASPSRKVQ